The following is an entry in ClinVar:

NM_007373.4(SHOC2):c.647A>T (p.Lys216Ile)

Gene: SHOC2 (SHOC2 leucine rich repeat scaffold protein; plus strand). Cytogenetic location: 10q25.2.
Variant type: single nucleotide variant.
Coding change: c.647A>T on transcript NM_007373.4 (MANE Select); coding-DNA position 647, A replaced by T.
Protein change: p.Lys216Ile; replaces lysine 216 with isoleucine.
Molecular consequence: missense variant.
Genome position (GRCh38, 1-based): chr10:110,965,005, A>T. VCF-style: chr10-110965005-A-T. GRCh37 (hg19) VCF-style: chr10-112724763-A-T.
Other names: c.647A>T, p.Lys216Ile (NM_001269039.3, NM_001324336.2, NM_001324337.2); short protein forms K216I.
Identifiers: ClinVar variation 2124031 (VCV002124031.4), dbSNP rs2493840511, ClinGen allele CA378386455.
Genomic context (GRCh38, chr10:110,965,005, plus strand): 5'-CTCTTTACCTTCGCTTTAATCGTATAACTACTGTGGAAAAGGACATCAAAAACTTGTCAA[A>T]ACTCAGCATGCTTAGCATTCGAGAGAACAAAATTAAACAACTACCTGCTGAAATTGGTAA-3'
Protein context (NP_031399.2, residues 206-226): TVEKDIKNLS[Lys216Ile]LSMLSIRENK

ClinVar aggregate classification (germline): Uncertain significance (1 of 4 stars; one submission).

Conditions:
RASopathy. Also called: rasopathies; Noonan spectrum disorder. Identifiers: Orphanet 536391, MedGen C5555857, MONDO:0021060.

Allele frequency attached by ClinVar (database versions not stated): gnomAD exomes below 0.00001.
gnomAD v4.1: 1 of 1,613,916 alleles (0.000062%); highest among the groups gnomAD compares: Non-Finnish European, 0.000085%; no homozygotes.

Submission:

Labcorp Genetics (formerly Invitae), Labcorp
Classification: Uncertain significance for RASopathy. Last evaluated: 2022-04-10. Review status: criteria provided, single submitter. Criteria: Invitae Variant Classification Sherloc (09022015). Collection method: clinical testing. Allele origin: germline.
Comment: This variant is not present in population databases (gnomAD no frequency). This sequence change replaces lysine, which is basic and polar, with isoleucine, which is neutral and non-polar, at codon 216 of the SHOC2 protein (p.Lys216Ile). This variant has not been reported in the literature in individuals affected with SHOC2-related conditions. Algorithms developed to predict the effect of missense changes on protein structure and function are either unavailable or do not agree on the potential impact of this missense change (SIFT: "Deleterious"; PolyPhen-2: "Benign"; Align-GVGD: "Class C0"). In summary, the available evidence is currently insufficient to determine the role of this variant in disease. Therefore, it has been classified as a Variant of Uncertain Significance.